The following is an entry in ClinVar:

NM_003079.5(SMARCE1):c.1147A>G (p.Ser383Gly)

Gene: SMARCE1 (SWI/SNF related BAF chromatin remodeling complex subunit E1; minus strand). Cytogenetic location: 17q21.2.
Variant type: single nucleotide variant.
Coding change: c.1147A>G on transcript NM_003079.5 (MANE Select); coding-DNA position 1147, A replaced by G.
Protein change: p.Ser383Gly; replaces serine 383 with glycine.
Molecular consequence: missense variant.
Genome position (GRCh38, 1-based): chr17:40,628,874, T>C on the plus strand (A>G on the coding strand, the complement: SMARCE1 is on the minus strand). VCF-style: chr17-40628874-T-C. GRCh37 (hg19) VCF-style: chr17-38785126-T-C.
Other names: short protein forms S383G.
Identifiers: ClinVar variation 822252 (VCV000822252.8), dbSNP rs1322064785, ClinGen allele CA399361155.
Genomic context (GRCh38, chr17:40,628,874, plus strand): 5'-GATCTGTTGGTGGCTCCTCCACTGTTGCACTGTTGCTCTCCGAGCCAGTGTTACTATCAC[T>C]GGTTCCTTCCTCTGCCATACTGTCGACCCCCTCCTGCCCACTCTCCTTGTCCTCAGGAGT-3'
Protein context (NP_003070.3, residues 373-393): GVDSMAEEGT[Ser383Gly]DSNTGSESNS

ClinVar aggregate classification (germline): Conflicting classifications of pathogenicity. Review status: criteria provided, conflicting classifications (1 of 4 stars). 2 submissions from 2 submitters: Uncertain significance (1); Likely benign (1). Last evaluated 2025-08-04.

Conditions:
Familial meningioma. Also called: Meningioma, familial, susceptibility to. Identifiers: Orphanet 263662, MedGen C3551915, MONDO:0011789, OMIM 607174.
Hereditary cancer-predisposing syndrome. Also called: Tumor predisposition; Hereditary Cancer Syndrome; Neoplastic Syndromes, Hereditary; Hereditary neoplastic syndrome. Identifiers: Orphanet 140162, MedGen C0027672, MeSH D009386, MONDO:0015356.

Submissions (2):

Labcorp Genetics (formerly Invitae), Labcorp
Classification: Uncertain significance for Familial meningioma. Last evaluated: 2025-08-04. Review status: criteria provided, single submitter. Criteria: Invitae Variant Classification Sherloc (09022015). Collection method: clinical testing. Allele origin: germline.
Comment: This sequence change replaces serine, which is neutral and polar, with glycine, which is neutral and non-polar, at codon 383 of the SMARCE1 protein (p.Ser383Gly). This variant is not present in population databases (gnomAD no frequency). This variant has not been reported in the literature in individuals affected with SMARCE1-related conditions. ClinVar contains an entry for this variant (Variation ID: 822252). Invitae Evidence Modeling of protein sequence and biophysical properties (such as structural, functional, and spatial information, amino acid conservation, physicochemical variation, residue mobility, and thermodynamic stability) indicates that this missense variant is expected to disrupt SMARCE1 protein function with a positive predictive value of 80%. In summary, the available evidence is currently insufficient to determine the role of this variant in disease. Therefore, it has been classified as a Variant of Uncertain Significance.

Ambry Genetics
Classification: Likely benign for Hereditary cancer-predisposing syndrome. Last evaluated: 2024-04-24. Review status: criteria provided, single submitter. Criteria: Ambry Variant Classification Scheme 2023. Collection method: clinical testing. Allele origin: germline.